The following is an entry in ClinVar:

NM_000214.3(JAG1):c.811T>C (p.Cys271Arg)

Gene: JAG1 (jagged canonical Notch ligand 1; minus strand). Cytogenetic location: 20p12.2.
Variant type: single nucleotide variant.
Coding change: c.811T>C on transcript NM_000214.3 (MANE Select); coding-DNA position 811, T replaced by C.
Protein change: p.Cys271Arg; replaces cysteine 271 with arginine.
Molecular consequence: missense variant.
Genome position (GRCh38, 1-based): chr20:10,652,543, A>G on the plus strand (T>C on the coding strand, the complement: JAG1 is on the minus strand). VCF-style: chr20-10652543-A-G. GRCh37 (hg19) VCF-style: chr20-10633191-A-G.
Other names: short protein forms C271R.
Identifiers: ClinVar variation 3573107 (VCV003573107.2).
Genomic context (GRCh38, chr20:10,652,543, plus strand): 5'-GGCCGCCCCAGTTGGTCTCACAGAGGCACTGCCAGGGCTCATTACAGATGCCGTGGACGC[A>G]TCCCGGGTGTGGGATGCACTTATCACAGTACAGGCCTTGCCAGCCGTACTGGCACCTGGA-3'
Protein context (NP_000205.1, residues 261-281): YCDKCIPHPG[Cys271Arg]VHGICNEPWQ

Conditions:
Arteriohepatic dysplasia. Also called: Alagille Syndrome. Identifiers: Orphanet 52, MedGen C0085280, MeSH D016738, MONDO:0007318.

Submission:

Gilbert/Spinner Lab, Children's Hospital of Philadelphia
No classification provided (evidence only). Condition: Alagille syndrome. Review status: no classification provided. Collection method: research. Allele origin: not applicable. Functional consequence: functionally_abnormal.
ClinVar note: "not provided" was previously submitted as the classification for the variant. However, the classification appeared to be based only on an observation of functional data so it was converted to no classification on 2025-07-30.